The following is an entry in ClinVar:

NM_002602.4(PDE6G):c.248A>G (p.Gln83Arg)

Gene: PDE6G (phosphodiesterase 6G; minus strand). Cytogenetic location: 17q25.3.
Variant type: single nucleotide variant.
Coding change: c.248A>G on transcript NM_002602.4 (MANE Select); coding-DNA position 248, A replaced by G.
Protein change: p.Gln83Arg; replaces glutamine 83 with arginine.
Molecular consequence: missense variant. On other transcripts: non-coding transcript variant (2).
Genome position (GRCh38, 1-based): chr17:81,651,090, T>C on the plus strand (A>G on the coding strand, the complement: PDE6G is on the minus strand). VCF-style: chr17-81651090-T-C. GRCh37 (hg19) VCF-style: chr17-79618120-T-C.
Other names: c.248A>G, p.Gln83Arg (NM_001365724.1, NM_001365725.1); c.248A>G (NM_002602.3); short protein forms Q83R.
Identifiers: ClinVar variation 2152964 (VCV002152964.6), dbSNP rs1198990618, ClinGen allele CA401473757.

ClinVar aggregate classification (germline): Uncertain significance. Review status: criteria provided, multiple submitters, no conflicts (2 of 4 stars). 3 submissions from 3 submitters: Uncertain significance (3). Last evaluated 2025-12-02.

Allele frequency attached by ClinVar (database versions not stated): gnomAD exomes below 0.00001; gnomAD 0.00001.
gnomAD v4.1: 5 of 1,613,402 alleles (0.00031%); highest among the groups gnomAD compares: African/African-American, 0.0013%; no homozygotes.

Submissions (3):

Ambry Genetics
Classification: Uncertain significance. Last evaluated: 2025-12-02. Review status: criteria provided, single submitter. Criteria: Ambry Variant Classification Scheme 2023. Collection method: clinical testing. Allele origin: germline.

Labcorp Genetics (formerly Invitae), Labcorp
Classification: Uncertain significance. Last evaluated: 2022-08-12. Review status: criteria provided, single submitter. Criteria: Invitae Variant Classification Sherloc (09022015). Collection method: clinical testing. Allele origin: germline.
Comment: In summary, the available evidence is currently insufficient to determine the role of this variant in disease. Therefore, it has been classified as a Variant of Uncertain Significance. Algorithms developed to predict the effect of missense changes on protein structure and function are either unavailable or do not agree on the potential impact of this missense change (SIFT: "Deleterious"; PolyPhen-2: "Benign"; Align-GVGD: "Class C35"). This variant has not been reported in the literature in individuals affected with PDE6G-related conditions. This variant is present in population databases (no rsID available, gnomAD 0.0009%). This sequence change replaces glutamine, which is neutral and polar, with arginine, which is basic and polar, at codon 83 of the PDE6G protein (p.Gln83Arg).

Blueprint Genetics
Classification: Uncertain significance. Last evaluated: 2021-12-22. Review status: criteria provided, single submitter. Criteria: ACMG Guidelines, 2015. Collection method: clinical testing. Allele origin: germline.